The following is an entry in ClinVar:

NM_000179.3(MSH6):c.3646+154_3646+168del

Gene: MSH6 (mutS homolog 6; plus strand). Cytogenetic location: 2p16.3.
Variant type: Deletion.
Coding change: c.3646+154_3646+168del on transcript NM_000179.3 (MANE Select); bases 154 to 168 of the intron after coding-DNA position 3646, 15 bases deleted (ATAAAAGGTGATATT).
Molecular consequence: intron variant.
Genome position (GRCh38, 1-based): chr2:47,805,861-47,805,875, ATAAAAGGTGATATT deleted. VCF-style (leftmost placement, unchanged base first): chr2-47805860-GATAAAAGGTGATATT-G. GRCh37 (hg19) VCF-style: chr2-48032999-GATAAAAGGTGATATT-G.
Other names: c.2740+154_2740+168del (NM_001281493.2, NM_001281494.2); c.3256+154_3256+168del (NM_001281492.2); c.3646+154_3646+168delATAAAAGGTGATATT (NM_000179.2).
Identifiers: ClinVar variation 678941 (VCV000678941.1), dbSNP rs3136361, ClinGen allele CA46718969.

ClinVar aggregate classification (germline): Benign (1 of 4 stars; one submission).

Allele frequency attached by ClinVar (database versions not stated): gnomAD 0.02279 and 0.02479; 1000 Genomes Project 0.02456; 1000 Genomes Project 30x 0.02655.

Submission:

GeneDx
Classification: Benign. Last evaluated: 2018-06-18. Review status: criteria provided, single submitter. Criteria: GeneDx Variant Classification (06012015). Collection method: clinical testing. Allele origin: germline. Affected: yes.
Comment: This variant is considered likely benign or benign based on one or more of the following criteria: it is a conservative change, it occurs at a poorly conserved position in the protein, it is predicted to be benign by multiple in silico algorithms, and/or has population frequency not consistent with disease.